The following is an entry in ClinVar:

ClinVar aggregate classification (germline): Uncertain significance (1 of 4 stars; one submission).

Submission:

GeneDx
Classification: Uncertain significance. Last evaluated: 2025-07-12. Review status: criteria provided, single submitter. Criteria: GeneDx Variant Classification Process June 2021. Collection method: clinical testing. Allele origin: germline. Affected: yes.
Comment: Not observed at significant frequency in large population cohorts (gnomAD); In silico analysis supports a deleterious effect on splicing; Has not been previously published as pathogenic or benign to our knowledge

NM_001267550.2(TTN):c.92152+3_92152+6dup

Genes: TTN (titin; minus strand), TTN-AS1 (TTN antisense RNA 1; plus strand). Cytogenetic location: 2q31.2.
Variant type: Duplication.
Coding change: c.92152+3_92152+6dup on transcript NM_001267550.2 (MANE Select); bases 3 to 6 of the intron after coding-DNA position 92152, 4 bases duplicated (AAGT; older notation c.92152+3_92152+6dupAAGT).
Molecular consequence: splice donor variant.
Genome position (GRCh38, 1-based): chr2:178,549,564-178,549,567, ACTT duplicated on the plus strand (AAGT on the coding strand, the reverse complement: TTN is on the minus strand); duplicating any 4 consecutive bases within chr2:178,549,564-178,549,570 gives the same sequence; the c. name uses the placement nearest the transcript's 3' end. VCF-style (leftmost placement, unchanged base first): chr2-178549563-A-AACTT. GRCh37 (hg19) VCF-style: chr2-179414290-A-AACTT.
Other names: c.64957+3_64957+6dup (NM_003319.4); c.65533+3_65533+6dup (NM_133437.4); c.65332+3_65332+6dup (NM_133432.3); c.84448+3_84448+6dup (NM_133378.4); c.87229+3_87229+6dup (NM_001256850.1).
Identifiers: ClinVar variation 4685357 (VCV004685357.1).